The following is an entry in ClinVar:

ClinVar aggregate classification (germline): Uncertain significance (1 of 4 stars; one submission).

Conditions:
Charcot-Marie-Tooth disease type 4A. Also called: Charcot-Marie-Tooth disease, demyelinating, autosomal recessive, type 4a. Identifiers: Orphanet 99948, MedGen C1859198, MONDO:0008961, OMIM 214400.

gnomAD v4.1: 1 of 1,613,172 alleles (0.000062%); highest among the groups gnomAD compares: Non-Finnish European, 0.000085%; no homozygotes.

Submission:

Labcorp Genetics (formerly Invitae), Labcorp
Classification: Uncertain significance for Charcot-Marie-Tooth disease type 4A. Last evaluated: 2022-05-04. Review status: criteria provided, single submitter. Criteria: Invitae Variant Classification Sherloc (09022015). Collection method: clinical testing. Allele origin: germline.
Comment: In summary, the available evidence is currently insufficient to determine the role of this variant in disease. Therefore, it has been classified as a Variant of Uncertain Significance. Advanced modeling of protein sequence and biophysical properties (such as structural, functional, and spatial information, amino acid conservation, physicochemical variation, residue mobility, and thermodynamic stability) performed at Invitae indicates that this missense variant is expected to disrupt GDAP1 protein function. ClinVar contains an entry for this variant (Variation ID: 839810). This variant has not been reported in the literature in individuals affected with GDAP1-related conditions. This variant is not present in population databases (gnomAD no frequency). This sequence change replaces tyrosine, which is neutral and polar, with cysteine, which is neutral and slightly polar, at codon 117 of the GDAP1 protein (p.Tyr117Cys).

NM_018972.4(GDAP1):c.350A>G (p.Tyr117Cys)

Gene: GDAP1 (ganglioside induced differentiation associated protein 1; plus strand). Cytogenetic location: 8q21.11.
Variant type: single nucleotide variant.
Coding change: c.350A>G on transcript NM_018972.4 (MANE Select); coding-DNA position 350, A replaced by G.
Protein change: p.Tyr117Cys; replaces tyrosine 117 with cysteine.
Molecular consequence: missense variant. On other transcripts: intron variant (1).
Genome position (GRCh38, 1-based): chr8:74,360,176, A>G. VCF-style: chr8-74360176-A-G. GRCh37 (hg19) VCF-style: chr8-75272411-A-G.
Other names: c.146A>G, p.Tyr49Cys (NM_001040875.4); c.23A>G, p.Tyr8Cys (NM_001362929.2, NM_001362932.2); c.350A>G, p.Tyr117Cys (NM_001362931.2); c.311-1708A>G (NM_001362930.2); short protein forms Y117C, Y49C, Y8C.
Identifiers: ClinVar variation 839810 (VCV000839810.9), dbSNP rs1809288442, ClinGen allele CA371548438.